The following is an entry in ClinVar:

ClinVar aggregate classification (germline): Uncertain significance (1 of 4 stars; one submission).

Conditions:
Epileptic encephalopathy. Identifiers: MedGen C0543888, HP:0200134.

Allele frequency attached by ClinVar (database versions not stated): gnomAD exomes below 0.00001; TOPMed 0.00002; gnomAD 0.00003 and 0.00004; ESP Exome Variant Server 0.00008.
gnomAD v4.1: 15 of 1,613,310 alleles (0.00093%); highest among the groups gnomAD compares: Non-Finnish European, 0.0013%; no homozygotes.

Submission:

Labcorp Genetics (formerly Invitae), Labcorp
Classification: Uncertain significance for Epileptic encephalopathy. Last evaluated: 2020-03-23. Review status: criteria provided, single submitter. Criteria: Invitae Variant Classification Sherloc (09022015). Collection method: clinical testing. Allele origin: germline.
Comment: This sequence change replaces leucine with valine at codon 3919 of the RYR3 protein (p.Leu3919Val). The leucine residue is highly conserved and there is a small physicochemical difference between leucine and valine. This variant is not present in population databases (ExAC no frequency). This variant has not been reported in the literature in individuals with RYR3-related disease. Algorithms developed to predict the effect of missense changes on protein structure and function are either unavailable or do not agree on the potential impact of this missense change (SIFT: "Deleterious"; PolyPhen-2: "Probably Damaging"; Align-GVGD: "Class C0"). Algorithms developed to predict the effect of sequence changes on RNA splicing suggest that this variant may create or strengthen a splice site, but this prediction has not been confirmed by published transcriptional studies. In summary, the available evidence is currently insufficient to determine the role of this variant in disease. Therefore, it has been classified as a Variant of Uncertain Significance.

NM_001036.6(RYR3):c.11755C>G (p.Leu3919Val)

Gene: RYR3 (ryanodine receptor 3; plus strand). Cytogenetic location: 15q14.
Variant type: single nucleotide variant.
Coding change: c.11755C>G on transcript NM_001036.6 (MANE Select); coding-DNA position 11755, C replaced by G.
Protein change: p.Leu3919Val; replaces leucine 3919 with valine.
Molecular consequence: missense variant.
Genome position (GRCh38, 1-based): chr15:33,837,735, C>G. VCF-style: chr15-33837735-C-G. GRCh37 (hg19) VCF-style: chr15-34129936-C-G.
Other names: c.11740C>G, p.Leu3914Val (NM_001243996.4); short protein forms L3914V, L3919V.
Identifiers: ClinVar variation 640188 (VCV000640188.8), dbSNP rs372530911, ClinGen allele CA268591779.
Genomic context (GRCh38, chr15:33,837,735, plus strand): 5'-CTGGTAGAATCATCTACCAATGTAGAAATGATCTTGAAATTCTTTGACATGTTCTTGAAA[C>G]TTAAAGACTTAACCAGCTCAGACACCTTCAAAGAATATGACCCAGATGGTAAAGGAATTA-3'
Protein context (NP_001027.3, residues 3909-3929): ILKFFDMFLK[Leu3919Val]KDLTSSDTFK